The following is an entry in ClinVar:

NM_024753.5(TTC21B):c.1276C>G (p.His426Asp)

Gene: TTC21B (tetratricopeptide repeat domain 21B; minus strand). Cytogenetic location: 2q24.3.
Variant type: single nucleotide variant.
Coding change: c.1276C>G on transcript NM_024753.5 (MANE Select); coding-DNA position 1276, C replaced by G.
Protein change: p.His426Asp; replaces histidine 426 with aspartic acid.
Molecular consequence: missense variant.
Genome position (GRCh38, 1-based): chr2:165,929,245, G>C on the plus strand (C>G on the coding strand, the complement: TTC21B is on the minus strand). VCF-style: chr2-165929245-G-C. GRCh37 (hg19) VCF-style: chr2-166785755-G-C.
Other names: short protein forms H426D.
Identifiers: ClinVar variation 2203168 (VCV002203168.1), dbSNP rs773698142, ClinGen allele CA1942185.

ClinVar aggregate classification (germline): Uncertain significance (1 of 4 stars; one submission).

Conditions:
Jeune thoracic dystrophy. Also called: Jeune syndrome; Infantile thoracic dystrophy; Thoracic pelvic phalangeal dystrophy; Jeune's syndrome; Chondroectodermal dysplasia-like syndrome; Short-rib thoracic dysplasia. Identifiers: Orphanet 474, MedGen C0265275, MONDO:0018770.
Nephronophthisis. Also called: Juvenile Nephronophthisis. Identifiers: Orphanet 655, MedGen C0687120, MONDO:0019005, HP:0000090.

Allele frequency attached by ClinVar (database versions not stated): ExAC 0.00001.
gnomAD v4.1: 6 of 1,612,900 alleles (0.00037%); highest among the groups gnomAD compares: Non-Finnish European, 0.00042%; no homozygotes.

Submission:

Labcorp Genetics (formerly Invitae), Labcorp
Classification: Uncertain significance for Jeune thoracic dystrophy; Nephronophthisis. Last evaluated: 2022-08-11. Review status: criteria provided, single submitter. Criteria: Invitae Variant Classification Sherloc (09022015). Collection method: clinical testing. Allele origin: germline.
Comment: This sequence change replaces histidine, which is basic and polar, with aspartic acid, which is acidic and polar, at codon 426 of the TTC21B protein (p.His426Asp). This variant is present in population databases (rs773698142, gnomAD 0.0009%). This missense change has been observed in individual(s) with clinical features of nephronophthisis (PMID: 26940125). In at least one individual the data is consistent with being in trans (on the opposite chromosome) from a pathogenic variant. It has also been observed to segregate with disease in related individuals. Algorithms developed to predict the effect of missense changes on protein structure and function are either unavailable or do not agree on the potential impact of this missense change (SIFT: "Tolerated"; PolyPhen-2: "Probably Damaging"; Align-GVGD: "Class C0"). In summary, the available evidence is currently insufficient to determine the role of this variant in disease. Therefore, it has been classified as a Variant of Uncertain Significance.

Literature cited by the submitters: PubMed 26940125.